The following is an entry in ClinVar:

NM_001040108.2(MLH3):c.1747A>G (p.Lys583Glu)

Gene: MLH3 (mutL homolog 3; minus strand). Cytogenetic location: 14q24.3.
Variant type: single nucleotide variant.
Coding change: c.1747A>G on transcript NM_001040108.2 (MANE Select); coding-DNA position 1747, A replaced by G.
Protein change: p.Lys583Glu; replaces lysine 583 with glutamic acid.
Molecular consequence: missense variant.
Genome position (GRCh38, 1-based): chr14:75,047,909, T>C on the plus strand (A>G on the coding strand, the complement: MLH3 is on the minus strand). VCF-style: chr14-75047909-T-C. GRCh37 (hg19) VCF-style: chr14-75514612-T-C.
Other names: c.1747A>G, p.Lys583Glu (NM_014381.3); short protein forms K583E.
Identifiers: ClinVar variation 1779316 (VCV001779316.4), dbSNP rs774447968, ClinGen allele CA7275826.

ClinVar aggregate classification (germline): Uncertain significance. Review status: criteria provided, multiple submitters, no conflicts (2 of 4 stars). 2 submissions from 2 submitters: Uncertain significance (2). Last evaluated 2025-05-27.

Conditions:
Colorectal cancer, hereditary nonpolyposis, type 7. Identifiers: Orphanet 144, MedGen C1858380, MONDO:0013725, OMIM 614385.

Allele frequency attached by ClinVar (database versions not stated): gnomAD exomes below 0.00001; ExAC 0.00001.
gnomAD v4.1: 6 of 1,613,442 alleles (0.00037%); highest among the groups gnomAD compares: Admixed American, 0.005%; no homozygotes.

Submissions (2):

Labcorp Genetics (formerly Invitae), Labcorp
Classification: Uncertain significance for Colorectal cancer, hereditary nonpolyposis, type 7. Last evaluated: 2025-05-27. Review status: criteria provided, single submitter. Criteria: Invitae Variant Classification Sherloc (09022015). Collection method: clinical testing. Allele origin: germline.
Comment: This sequence change replaces lysine, which is basic and polar, with glutamic acid, which is acidic and polar, at codon 583 of the MLH3 protein (p.Lys583Glu). This variant is present in population databases (rs774447968, gnomAD 0.01%). This variant has not been reported in the literature in individuals affected with MLH3-related conditions. ClinVar contains an entry for this variant (Variation ID: 1779316). An algorithm developed to predict the effect of missense changes on protein structure and function outputs the following: PolyPhen-2: "Benign". The glutamic acid amino acid residue is found in multiple mammalian species, which suggests that this missense change does not adversely affect protein function. In summary, the available evidence is currently insufficient to determine the role of this variant in disease. Therefore, it has been classified as a Variant of Uncertain Significance.

Ambry Genetics
Classification: Uncertain significance. Last evaluated: 2025-01-16. Review status: criteria provided, single submitter. Criteria: Ambry Variant Classification Scheme 2023. Collection method: clinical testing. Allele origin: germline.
Comment: The p.K583E variant (also known as c.1747A>G), located in coding exon 1 of the MLH3 gene, results from an A to G substitution at nucleotide position 1747. The lysine at codon 583 is replaced by glutamic acid, an amino acid with similar properties. This amino acid position is conserved. In addition, this alteration is predicted to be tolerated by in silico analysis. Since supporting evidence is limited at this time, the clinical significance of this alteration remains unclear.